The following is an entry in ClinVar:

NM_001267550.2(TTN):c.98095C>T (p.Leu32699Phe)

Genes: TTN (titin; minus strand), TTN-AS1 (TTN antisense RNA 1; plus strand). Cytogenetic location: 2q31.2.
Variant type: single nucleotide variant.
Coding change: c.98095C>T on transcript NM_001267550.2 (MANE Select); coding-DNA position 98095, C replaced by T.
Protein change: p.Leu32699Phe; replaces leucine 32699 with phenylalanine.
Molecular consequence: missense variant.
Genome position (GRCh38, 1-based): chr2:178,540,071, G>A on the plus strand (C>T on the coding strand, the complement: TTN is on the minus strand). VCF-style: chr2-178540071-G-A. GRCh37 (hg19) VCF-style: chr2-179404798-G-A.
Other names: c.90391C>T, p.Leu30131Phe (NM_133378.4); c.93172C>T, p.Leu31058Phe (NM_001256850.1); c.70900C>T, p.Leu23634Phe (NM_003319.4); c.71275C>T, p.Leu23759Phe (NM_133432.3); c.71476C>T, p.Leu23826Phe (NM_133437.4); short protein forms L32699F, L30131F, L23759F, L31058F, L23634F, L23826F.
Identifiers: ClinVar variation 47593 (VCV000047593.5), dbSNP rs397517774, ClinGen allele CA141461.
Genomic context (GRCh38, chr2:178,540,071, plus strand): 5'-GACTAAGAAATAAGTCTATGGCAATTATTGCAGAAAGCAAATGATCATATGTCTCACCAA[G>A]CATTTCAGTGACTTTGACTGTTCCTGGTACCTCAGCAGGCTCACCAGGTCCACCAGCATT-3'
Protein context (NP_001254479.2, residues 32689-32709): VPGTVKVTEM[Leu32699Phe]EYPDYELDER

ClinVar aggregate classification (germline): Uncertain significance (1 of 4 stars; one submission).

Allele frequency attached by ClinVar (database versions not stated): gnomAD exomes below 0.00001 and 0.00001; ExAC 0.00001; gnomAD 0.00001; TOPMed 0.00001.
gnomAD v4.1: 9 of 1,598,340 alleles (0.00056%); highest among the groups gnomAD compares: Middle Eastern, 0.017%; no homozygotes.

Submission:

Laboratory for Molecular Medicine, Mass General Brigham Personalized Medicine
Classification: Uncertain significance. Last evaluated: 2018-06-12. Review status: criteria provided, single submitter. Criteria: LMM Criteria. Collection method: clinical testing. Allele origin: germline. Observed: 1 variant allele.
Comment: proposed classification - variant undergoing re-assessment, contact laboratory